The following is an entry in ClinVar:

ClinVar aggregate classification (germline): Uncertain significance (1 of 4 stars; one submission).

Submission:

GeneDx
Classification: Uncertain significance. Last evaluated: 2022-08-19. Review status: criteria provided, single submitter. Criteria: GeneDx Variant Classification Process June 2021. Collection method: clinical testing. Allele origin: germline. Affected: yes.
Comment: Not observed at significant frequency in large population cohorts (gnomAD); In silico analysis supports that this missense variant has a deleterious effect on protein structure/function; Has not been previously published as pathogenic or benign to our knowledge; This variant is associated with the following publications: (PMID: 26100331, 25609763, 25512093)

NM_001376.5(DYNC1H1):c.376G>A (p.Asp126Asn)

Gene: DYNC1H1 (dynein cytoplasmic 1 heavy chain 1; plus strand). Cytogenetic location: 14q32.31.
Variant type: single nucleotide variant.
Coding change: c.376G>A on transcript NM_001376.5 (MANE Select); coding-DNA position 376, G replaced by A.
Protein change: p.Asp126Asn; replaces aspartic acid 126 with asparagine.
Molecular consequence: missense variant.
Genome position (GRCh38, 1-based): chr14:101,979,350, G>A. VCF-style: chr14-101979350-G-A. GRCh37 (hg19) VCF-style: chr14-102445687-G-A.
Other names: short protein forms D126N.
Identifiers: ClinVar variation 2430818 (VCV002430818.1), dbSNP rs2503677872, ClinGen allele CA391007362.
Genomic context (GRCh38, chr14:101,979,350, plus strand): 5'-CTAATTTCTTGTTTTATTTTTCTTTTTAGCTTGGCATTCATTAAACGTACTCCCGTGATT[G>A]ATGCAGATAAACCCGTGTCTTCTCAGCTCCGGGTCCTTACACTCAGTGAAGACTCGCCCT-3'
Protein context (NP_001367.2, residues 116-136): LAFIKRTPVI[Asp126Asn]ADKPVSSQLR